The following is an entry in ClinVar:

NM_021615.5(CHST6):c.557C>T (p.Pro186Leu)

Gene: CHST6 (carbohydrate sulfotransferase 6; minus strand). Cytogenetic location: 16q23.1.
Variant type: single nucleotide variant.
Coding change: c.557C>T on transcript NM_021615.5 (MANE Select); coding-DNA position 557, C replaced by T.
Protein change: p.Pro186Leu; replaces proline 186 with leucine.
Molecular consequence: missense variant.
Genome position (GRCh38, 1-based): chr16:75,479,272, G>A on the plus strand (C>T on the coding strand, the complement: CHST6 is on the minus strand). VCF-style: chr16-75479272-G-A. GRCh37 (hg19) VCF-style: chr16-75513170-G-A.
Other names: short protein forms P186L.
Identifiers: ClinVar variation 4773628 (VCV004773628.1).

ClinVar aggregate classification (germline): Uncertain significance (1 of 4 stars; one submission).

Conditions:
Macular corneal dystrophy (MCD). Also called: Macular corneal dystrophy Type I; GROENOUW TYPE II CORNEAL DYSTROPHY. Identifiers: Orphanet 98969, MedGen C1636149, MONDO:0009020, OMIM 217800.

Submission:

Labcorp Genetics (formerly Invitae), Labcorp
Classification: Uncertain significance for Macular corneal dystrophy. Last evaluated: 2025-10-21. Review status: criteria provided, single submitter. Criteria: Invitae Variant Classification Sherloc (09022015). Collection method: clinical testing. Allele origin: germline.
Comment: This sequence change replaces proline, which is neutral and non-polar, with leucine, which is neutral and non-polar, at codon 186 of the CHST6 protein (p.Pro186Leu). This variant is not present in population databases (gnomAD no frequency). This variant has not been reported in the literature in individuals affected with CHST6-related conditions. Invitae Evidence Modeling of protein sequence and biophysical properties (such as structural, functional, and spatial information, amino acid conservation, physicochemical variation, residue mobility, and thermodynamic stability) has been performed for this missense variant. However, the output from this modeling did not meet the statistical confidence thresholds required to predict the impact of this variant on CHST6 protein function. In summary, the available evidence is currently insufficient to determine the role of this variant in disease. Therefore, it has been classified as a Variant of Uncertain Significance.